The following is an entry in ClinVar:

ClinVar aggregate classification (germline): Uncertain significance (1 of 4 stars; one submission).

Conditions:
Familial cold autoinflammatory syndrome 3 (FCAS3). Also called: ANTIBODY DEFICIENCY AND IMMUNE DYSREGULATION, PLCG2-ASSOCIATED; FAMILIAL ATYPICAL COLD URTICARIA. Identifiers: Orphanet 300359, MedGen C3280914, MONDO:0013766, OMIM 614468.

Allele frequency attached by ClinVar (database versions not stated): gnomAD exomes 0.00001; gnomAD 0.00002; TOPMed 0.00002; ExAC 0.00003.
gnomAD v4.1: 20 of 1,613,882 alleles (0.0012%); highest among the groups gnomAD compares: Middle Eastern, 0.016%; no homozygotes.

Submission:

Labcorp Genetics (formerly Invitae), Labcorp
Classification: Uncertain significance for Familial cold autoinflammatory syndrome 3. Last evaluated: 2022-08-08. Review status: criteria provided, single submitter. Criteria: Invitae Variant Classification Sherloc (09022015). Collection method: clinical testing. Allele origin: germline.
Comment: This sequence change replaces arginine, which is basic and polar, with glutamine, which is neutral and polar, at codon 953 of the PLCG2 protein (p.Arg953Gln). This variant is present in population databases (rs763152440, gnomAD 0.005%). This variant has not been reported in the literature in individuals affected with PLCG2-related conditions. Algorithms developed to predict the effect of missense changes on protein structure and function are either unavailable or do not agree on the potential impact of this missense change (SIFT: "Tolerated"; PolyPhen-2: "Possibly Damaging"; Align-GVGD: "Class C0"). In summary, the available evidence is currently insufficient to determine the role of this variant in disease. Therefore, it has been classified as a Variant of Uncertain Significance.

NM_002661.5(PLCG2):c.2858G>A (p.Arg953Gln)

Gene: PLCG2 (phospholipase C gamma 2; plus strand). Cytogenetic location: 16q23.3.
Variant type: single nucleotide variant.
Coding change: c.2858G>A on transcript NM_002661.5 (MANE Select); coding-DNA position 2858, G replaced by A.
Protein change: p.Arg953Gln; replaces arginine 953 with glutamine.
Molecular consequence: missense variant.
Genome position (GRCh38, 1-based): chr16:81,936,184, G>A. VCF-style: chr16-81936184-G-A. GRCh37 (hg19) VCF-style: chr16-81969789-G-A.
Other names: short protein forms R953Q.
Identifiers: ClinVar variation 2187321 (VCV002187321.4), dbSNP rs763152440, ClinGen allele CA8194460.